The following is an entry in ClinVar:

ClinVar aggregate classification (germline): Likely benign (1 of 4 stars; one submission).

Allele frequency attached by ClinVar (database versions not stated): TOPMed below 0.00001; gnomAD exomes 0.00001.
gnomAD v4.1: 18 of 1,610,060 alleles (0.0011%); highest among the groups gnomAD compares: Non-Finnish European, 0.0015%; no homozygotes.

Submission:

CeGaT Center for Human Genetics Tuebingen
Classification: Likely benign. Last evaluated: 2022-12-01. Review status: criteria provided, single submitter. Criteria: CeGaT Center For Human Genetics Tuebingen Variant Classification Criteria Version 2. Collection method: clinical testing. Allele origin: germline. Affected: yes. Observed: 1 variant allele.
Comment: NDUFB3: PM2:Supporting, BP4, BP7

NM_002491.3(NDUFB3):c.288G>A (p.Lys96=)

Gene: NDUFB3 (NADH:ubiquinone oxidoreductase subunit B3; plus strand). Cytogenetic location: 2q33.1.
Variant type: single nucleotide variant.
Coding change: c.288G>A on transcript NM_002491.3 (MANE Select); coding-DNA position 288, G replaced by A.
Protein change: p.Lys96=; no amino-acid change (lysine 96 retained).
Molecular consequence: synonymous variant.
Genome position (GRCh38, 1-based): chr2:201,085,606, G>A. VCF-style: chr2-201085606-G-A. GRCh37 (hg19) VCF-style: chr2-201950329-G-A.
Other names: c.288G>A, p.Lys96= (NM_001257102.2).
Identifiers: ClinVar variation 1879516 (VCV001879516.29), dbSNP rs2047283613, ClinGen allele CA430609480.